The following is an entry in ClinVar:

NM_015046.7(SETX):c.3462A>C (p.Glu1154Asp)

Gene: SETX (senataxin; minus strand). Cytogenetic location: 9q34.13.
Variant type: single nucleotide variant.
Coding change: c.3462A>C on transcript NM_015046.7 (MANE Select); coding-DNA position 3462, A replaced by C.
Protein change: p.Glu1154Asp; replaces glutamic acid 1154 with aspartic acid.
Molecular consequence: missense variant.
Genome position (GRCh38, 1-based): chr9:132,328,136, T>G on the plus strand (A>C on the coding strand, the complement: SETX is on the minus strand). VCF-style: chr9-132328136-T-G. GRCh37 (hg19) VCF-style: chr9-135203523-T-G.
Other names: c.3462A>C, p.Glu1154Asp (NM_001351527.2, NM_001351528.2); short protein forms E1154D.
Identifiers: ClinVar variation 536387 (VCV000536387.11), dbSNP rs1297541939, ClinGen allele CA375330395.

ClinVar aggregate classification (germline): Uncertain significance (1 of 4 stars; one submission).

Conditions:
Amyotrophic lateral sclerosis type 4 (ALS4). Also called: AMYOTROPHIC LATERAL SCLEROSIS 4, JUVENILE; NEURONOPATHY, DISTAL HEREDITARY MOTOR, WITH PYRAMIDAL FEATURES. Identifiers: Orphanet 357043, MedGen C1865409, MONDO:0011223, OMIM 602433.
Spinocerebellar ataxia, autosomal recessive, with axonal neuropathy 2 (SCAN2). Also called: ATAXIA-OCULOMOTOR APRAXIA 2; Ataxia-ocular apraxia-2; Ataxia with Oculomotor Apraxia Type 2; Ataxia with Oculomotor Apraxia. Identifiers: Orphanet 64753, MedGen C1853761, MONDO:0018996, OMIM 606002.

Allele frequency attached by ClinVar (database versions not stated): TOPMed below 0.00001; gnomAD 0.00001; gnomAD exomes 0.00001.
gnomAD v4.1: 16 of 1,613,970 alleles (0.00099%); highest among the groups gnomAD compares: Non-Finnish European, 0.0013%; no homozygotes.

Submission:

Labcorp Genetics (formerly Invitae), Labcorp
Classification: Uncertain significance for Amyotrophic lateral sclerosis type 4; Spinocerebellar ataxia, autosomal recessive, with axonal neuropathy 2. Last evaluated: 2019-02-22. Review status: criteria provided, single submitter. Criteria: Invitae Variant Classification Sherloc (09022015). Collection method: clinical testing. Allele origin: germline.
Comment: This variant is not present in population databases (ExAC no frequency). In summary, the available evidence is currently insufficient to determine the role of this variant in disease. Therefore, it has been classified as a Variant of Uncertain Significance. Algorithms developed to predict the effect of missense changes on protein structure and function (SIFT, PolyPhen-2, Align-GVGD) all suggest that this variant is likely to be tolerated, but these predictions have not been confirmed by published functional studies and their clinical significance is uncertain. This variant has not been reported in the literature in individuals with SETX-related disease. This sequence change replaces glutamic acid with aspartic acid at codon 1154 of the SETX protein (p.Glu1154Asp). The glutamic acid residue is weakly conserved and there is a small physicochemical difference between glutamic acid and aspartic acid.